The following is an entry in ClinVar:

ClinVar aggregate classification (germline): Benign/Likely benign. Review status: criteria provided, multiple submitters, no conflicts (2 of 4 stars). 4 submissions from 4 submitters: Benign (1); Likely benign (3). Last evaluated 2024-09-06.

Conditions:
Fanconi anemia complementation group J. Also called: BRIP1-Related Fanconi Anemia. Identifiers: Orphanet 84, MedGen C1836860, MONDO:0012187, OMIM 609054.
Familial cancer of breast. Also called: hereditary breast carcinoma; BREAST CANCER, FAMILIAL; Hereditary breast cancer. Identifiers: Orphanet 227535, MedGen C0346153, MONDO:0016419, OMIM 114480. Disease mechanism: loss of function.
Hereditary cancer-predisposing syndrome. Also called: Tumor predisposition; Hereditary Cancer Syndrome; Hereditary neoplastic syndrome; Neoplastic Syndromes, Hereditary. Identifiers: Orphanet 140162, MedGen C0027672, MeSH D009386, MONDO:0015356.

Allele frequency attached by ClinVar (database versions not stated): gnomAD exomes below 0.00001; ExAC 0.00001.
gnomAD v4.1: 1 of 1,613,962 alleles (0.000062%); highest among the groups gnomAD compares: Non-Finnish European, 0.000085%; no homozygotes.

Submissions (4):

Myriad Genetics, Inc.
Classification: Benign for Familial cancer of breast. Last evaluated: 2024-09-06. Review status: criteria provided, single submitter. Criteria: Myriad Autosomal Dominant, Autosomal Recessive and X-Linked Classification Criteria (2023). Collection method: clinical testing. Allele origin: unknown.
Comment: This variant is considered benign. This variant is a silent/synonymous amino acid change and it is not expected to impact splicing.

Labcorp Genetics (formerly Invitae), Labcorp
Classification: Likely benign for Familial cancer of breast; Fanconi anemia complementation group J. Last evaluated: 2023-01-18. Review status: criteria provided, single submitter. Criteria: Invitae Variant Classification Sherloc (09022015). Collection method: clinical testing. Allele origin: germline.

Color Diagnostics, LLC DBA Color Health
Classification: Likely benign for Hereditary cancer-predisposing syndrome. Last evaluated: 2019-06-13. Review status: criteria provided, single submitter. Criteria: ACMG Guidelines, 2015. Collection method: clinical testing. Allele origin: germline.

Ambry Genetics
Classification: Likely benign for Hereditary cancer-predisposing syndrome. Last evaluated: 2015-09-14. Review status: criteria provided, single submitter. Criteria: Ambry Variant Classification Scheme 2023. Collection method: clinical testing. Allele origin: germline.

NM_032043.3(BRIP1):c.2829C>G (p.Val943=)

Gene: BRIP1 (BRCA1 interacting DNA helicase 1; minus strand). Cytogenetic location: 17q23.2.
Variant type: single nucleotide variant.
Coding change: c.2829C>G on transcript NM_032043.3 (MANE Select); coding-DNA position 2829, C replaced by G.
Protein change: p.Val943=; no amino-acid change (valine 943 retained).
Molecular consequence: synonymous variant.
Genome position (GRCh38, 1-based): chr17:61,685,912, G>C on the plus strand (C>G on the coding strand, the complement: BRIP1 is on the minus strand). VCF-style: chr17-61685912-G-C. GRCh37 (hg19) VCF-style: chr17-59763273-G-C.
Identifiers: ClinVar variation 233860 (VCV000233860.17), dbSNP rs767164240, ClinGen allele CA8690451.